The following is an entry in ClinVar:

NM_014141.6(CNTNAP2):c.2256G>C (p.Trp752Cys)

Gene: CNTNAP2 (contactin associated protein 2; plus strand). Cytogenetic location: 7q35.
Variant type: single nucleotide variant.
Coding change: c.2256G>C on transcript NM_014141.6 (MANE Select); coding-DNA position 2256, G replaced by C.
Protein change: p.Trp752Cys; replaces tryptophan 752 with cysteine.
Molecular consequence: missense variant.
Genome position (GRCh38, 1-based): chr7:147,977,862, G>C. VCF-style: chr7-147977862-G-C. GRCh37 (hg19) VCF-style: chr7-147674954-G-C.
Other names: c.2256G>C (NM_014141.5); short protein forms W752C.
Identifiers: ClinVar variation 1357512 (VCV001357512.9), dbSNP rs147532036, ClinGen allele CA4546361.

ClinVar aggregate classification (germline): Uncertain significance. Review status: criteria provided, multiple submitters, no conflicts (2 of 4 stars). 4 submissions from 4 submitters: Uncertain significance (4). Last evaluated 2026-07-02.

Conditions:
CNTNAP2-related disorder. Also called: CNTNAP2-related condition.
Cortical dysplasia-focal epilepsy syndrome (PTHSL1). Also called: Pitt-Hopkins-like syndrome 1. Identifiers: Orphanet 163681, Orphanet 221150, MedGen C2750246, MONDO:0012400, OMIM 610042.
Inborn genetic diseases. Identifiers: MedGen C0950123, MeSH D030342.

Allele frequency attached by ClinVar (database versions not stated): gnomAD exomes 0.00001 and 0.00002; ExAC 0.00002; gnomAD 0.00004; 1000 Genomes Project 30x 0.00016; 1000 Genomes Project 0.00020.
gnomAD v4.1: 13 of 1,614,076 alleles (0.00081%); highest among the groups gnomAD compares: Admixed American, 0.017%; no homozygotes.

Submissions (4):

PreventionGenetics, part of Exact Sciences
Classification: Uncertain significance for CNTNAP2-related condition. Last evaluated: 2026-07-02. Review status: criteria provided, single submitter. Criteria: ACMG Guidelines, 2015. Collection method: clinical testing. Allele origin: germline.
Comment: The CNTNAP2 c.2256G>C variant is predicted to result in the amino acid substitution p.Trp752Cys. To our knowledge, this variant has not been reported in the literature. This variant is reported in 0.012% of alleles in individuals of Latino descent in gnomAD. At this time, the clinical significance of this variant is uncertain due to the absence of conclusive functional and genetic evidence.

Ambry Genetics
Classification: Uncertain significance for Inborn genetic diseases. Last evaluated: 2025-05-01. Review status: criteria provided, single submitter. Criteria: Ambry Variant Classification Scheme 2023. Collection method: clinical testing. Allele origin: germline.
Comment: Occurs in the first base pair of the exon Based on insufficient or conflicting evidence, the clinical significance of this alteration remains unclear.

Labcorp Genetics (formerly Invitae), Labcorp
Classification: Uncertain significance for Cortical dysplasia-focal epilepsy syndrome. Last evaluated: 2022-03-03. Review status: criteria provided, single submitter. Criteria: Invitae Variant Classification Sherloc (09022015). Collection method: clinical testing. Allele origin: germline.
Comment: This sequence change replaces tryptophan, which is neutral and slightly polar, with cysteine, which is neutral and slightly polar, at codon 752 of the CNTNAP2 protein (p.Trp752Cys). This variant is present in population databases (rs147532036, gnomAD 0.009%). This variant has not been reported in the literature in individuals affected with CNTNAP2-related conditions. Algorithms developed to predict the effect of missense changes on protein structure and function (SIFT, PolyPhen-2, Align-GVGD) all suggest that this variant is likely to be disruptive. Algorithms developed to predict the effect of sequence changes on RNA splicing suggest that this variant may disrupt the consensus splice site. In summary, the available evidence is currently insufficient to determine the role of this variant in disease. Therefore, it has been classified as a Variant of Uncertain Significance.

Blueprint Genetics
Classification: Uncertain significance. Last evaluated: 2019-12-03. Review status: criteria provided, single submitter. Criteria: ACMG Guidelines, 2015. Collection method: clinical testing. Allele origin: germline.